The following is an entry in ClinVar:

ClinVar aggregate classification (germline): Uncertain significance (1 of 4 stars; one submission).

Allele frequency attached by ClinVar (database versions not stated): TOPMed below 0.00001; gnomAD 0.00001.

Submission:

Labcorp Genetics (formerly Invitae), Labcorp
Classification: Uncertain significance. Last evaluated: 2025-08-10. Review status: criteria provided, single submitter. Criteria: Invitae Variant Classification Sherloc (09022015). Collection method: clinical testing. Allele origin: germline.
Comment: This sequence change replaces leucine, which is neutral and non-polar, with serine, which is neutral and polar, at codon 221 of the TBX20 protein (p.Leu221Ser). This variant is not present in population databases (gnomAD no frequency). This variant has not been reported in the literature in individuals affected with TBX20-related conditions. ClinVar contains an entry for this variant (Variation ID: 1474926). Invitae Evidence Modeling of protein sequence and biophysical properties (such as structural, functional, and spatial information, amino acid conservation, physicochemical variation, residue mobility, and thermodynamic stability) indicates that this missense variant is expected to disrupt TBX20 protein function with a positive predictive value of 80%. In summary, the available evidence is currently insufficient to determine the role of this variant in disease. Therefore, it has been classified as a Variant of Uncertain Significance.

NM_001077653.2(TBX20):c.662T>C (p.Leu221Ser)

Gene: TBX20 (T-box transcription factor 20; minus strand). Cytogenetic location: 7p14.2.
Variant type: single nucleotide variant.
Coding change: c.662T>C on transcript NM_001077653.2 (MANE Select); coding-DNA position 662, T replaced by C.
Protein change: p.Leu221Ser; replaces leucine 221 with serine.
Molecular consequence: missense variant.
Genome position (GRCh38, 1-based): chr7:35,241,030, A>G on the plus strand (T>C on the coding strand, the complement: TBX20 is on the minus strand). VCF-style: chr7-35241030-A-G. GRCh37 (hg19) VCF-style: chr7-35280642-A-G.
Other names: c.662T>C, p.Leu221Ser (NM_001166220.1); short protein forms L221S.
Identifiers: ClinVar variation 1474926 (VCV001474926.6), dbSNP rs942883080, ClinGen allele CA156927531.